The following is an entry in ClinVar:

ClinVar aggregate classification (germline): Uncertain significance (1 of 4 stars; one submission).

Conditions:
Metachromatic leukodystrophy (MLD). Also called: METACHROMATIC LEUKOENCEPHALOPATHY; Cerebral sclerosis diffuse metachromatic form; SULFATIDE LIPIDOSIS; ARSA DEFICIENCY; CEREBROSIDE SULFATASE DEFICIENCY; Arylsulfatase A Deficiency. Identifiers: Orphanet 512, MedGen C0023522, MONDO:0018868, OMIM 250100.

gnomAD v4.1: 1 of 1,536,230 alleles (0.000065%); no homozygotes.

Submission:

Baylor Genetics
Classification: Uncertain significance for Metachromatic leukodystrophy. Last evaluated: 2020-02-28. Review status: criteria provided, single submitter. Criteria: ACMG Guidelines, 2015. Collection method: clinical testing. Allele origin: unknown. Affected: yes.
Comment: This variant was determined to be of uncertain significance according to ACMG Guidelines, 2015 [PMID:25741868].

NM_000487.6(ARSA):c.-16C>G

Gene: ARSA (arylsulfatase A; minus strand). Cytogenetic location: 22q13.33.
Variant type: single nucleotide variant.
Coding change: c.-16C>G on transcript NM_000487.6 (MANE Select); 16 bases upstream of the start codon, C replaced by G.
Molecular consequence: 5 prime UTR variant. On other transcripts: intron variant (5).
Genome position (GRCh38, 1-based): chr22:50,627,795, G>C on the plus strand (C>G on the coding strand, the complement: ARSA is on the minus strand). VCF-style: chr22-50627795-G-C. GRCh37 (hg19) VCF-style: chr22-51066223-G-C.
Other names: c.-35+196C>G (NM_001362782.2); c.-13-3C>G (NM_001085427.3, NM_001085426.3, NM_001085425.3); c.-35+151C>G (NM_001085428.3).
Identifiers: ClinVar variation 1031068 (VCV001031068.1), dbSNP rs2082703346, ClinGen allele CA2410959844.
Genomic context (GRCh38, chr22:50,627,795, plus strand): 5'-AGCAGCCAGGGCCAGGAGGAGGGACCGCGGTGCCCCCATGGACATGGGACCGAGGGGTCT[G>C]TCCCAAGAGAGGGAGGGCTACTTGGCTCCAGCAGGCTCTTTCCGATACCGCAGACCCAGG-3'